The following is an entry in ClinVar:

NM_014780.5(CUL7):c.3924_3931del (p.Leu1308_Ser1309insTer)

Gene: CUL7 (cullin 7; minus strand). Cytogenetic location: 6p21.1.
Variant type: Deletion.
Coding change: c.3924_3931del on transcript NM_014780.5 (MANE Select); coding-DNA positions 3924 to 3931, 8 bases deleted (GAGCACCT; older notation c.3924_3931delGAGCACCT).
Protein change: p.Leu1308_Ser1309insTer.
Molecular consequence: frameshift variant.
Genome position (GRCh38, 1-based): chr6:43,040,622-43,040,629, AGGTGCTC deleted on the plus strand (GAGCACCT on the coding strand, the reverse complement: CUL7 is on the minus strand); deleting any 8 consecutive bases within chr6:43,040,622-43,040,632 gives the same sequence; the c. name uses the placement nearest the transcript's 3' end. VCF-style (leftmost placement, unchanged base first): chr6-43040621-GAGGTGCTC-G. GRCh37 (hg19) VCF-style: chr6-43008359-GAGGTGCTC-G.
Other names: c.4020_4027del, p.Leu1340_Ser1341insTer (NM_001168370.2, NM_001374872.1); c.3924_3931del, p.Leu1308_Ser1309insTer (NM_001374873.1); c.3921_3928del, p.Leu1307_Ser1308insTer (NM_001374874.1).
Identifiers: ClinVar variation 3593624 (VCV003593624.2).

ClinVar aggregate classification (germline): Pathogenic/Likely pathogenic. Review status: criteria provided, multiple submitters, no conflicts (2 of 4 stars). 2 submissions from 2 submitters: Pathogenic (1); Likely pathogenic (1). Last evaluated 2025-04-11.

Conditions:
3M syndrome 1. Also called: 3-M Syndrome, CUL7-Related. Identifiers: Orphanet 2616, MedGen C2678312, MONDO:0010117, OMIM 273750.

Submissions (2):

Labcorp Genetics (formerly Invitae), Labcorp
Classification: Pathogenic. Last evaluated: 2025-04-11. Review status: criteria provided, single submitter. Criteria: Invitae Variant Classification Sherloc (09022015). Collection method: clinical testing. Allele origin: germline.
Comment: This sequence change creates a premature translational stop signal (p.Ser1309*) in the CUL7 gene. It is expected to result in an absent or disrupted protein product. Loss-of-function variants in CUL7 are known to be pathogenic (PMID: 16142236, 17675530, 19225462). This variant is not present in population databases (gnomAD no frequency). This variant has not been reported in the literature in individuals affected with CUL7-related conditions. ClinVar contains an entry for this variant (Variation ID: 3593624). Algorithms developed to predict the effect of sequence changes on RNA splicing suggest that this variant may create or strengthen a splice site. For these reasons, this variant has been classified as Pathogenic.

Fulgent Genetics
Classification: Likely pathogenic for 3M syndrome 1. Last evaluated: 2024-04-02. Review status: criteria provided, single submitter. Criteria: ACMG Guidelines, 2015. Collection method: clinical testing. Allele origin: germline.

Literature cited by the submitters: PubMed 16142236 (cited by Labcorp Genetics (formerly Invitae), Labcorp); PubMed 17675530 (cited by Labcorp Genetics (formerly Invitae), Labcorp); PubMed 19225462 (cited by Labcorp Genetics (formerly Invitae), Labcorp).